The following is an entry in ClinVar:

NM_004369.4(COL6A3):c.4085T>C (p.Phe1362Ser)

Gene: COL6A3 (collagen type VI alpha 3 chain; minus strand). Cytogenetic location: 2q37.3.
Variant type: single nucleotide variant.
Coding change: c.4085T>C on transcript NM_004369.4 (MANE Select); coding-DNA position 4085, T replaced by C.
Protein change: p.Phe1362Ser; replaces phenylalanine 1362 with serine.
Molecular consequence: missense variant.
Genome position (GRCh38, 1-based): chr2:237,371,932, A>G on the plus strand (T>C on the coding strand, the complement: COL6A3 is on the minus strand). VCF-style: chr2-237371932-A-G. GRCh37 (hg19) VCF-style: chr2-238280575-A-G.
Other names: c.2864T>C, p.Phe955Ser (NM_057164.5); c.3467T>C, p.Phe1156Ser (NM_057165.5, NM_057167.4); c.2264T>C, p.Phe755Ser (NM_057166.5); short protein forms F1156S, F1362S, F755S, F955S.
Identifiers: ClinVar variation 1306049 (VCV001306049.2), dbSNP rs745420792, ClinGen allele CA351197078.

ClinVar aggregate classification (germline): Uncertain significance (1 of 4 stars; one submission).

Submission:

GeneDx
Classification: Uncertain significance. Last evaluated: 2019-06-10. Review status: criteria provided, single submitter. Criteria: GeneDx Variant Classification Process June 2021. Collection method: clinical testing. Allele origin: germline. Affected: yes.
Comment: Not observed in large population cohorts (Lek et al., 2016); In silico analysis, which includes protein predictors and evolutionary conservation, supports that this variant does not alter protein structure/function; Has not been previously published as pathogenic or benign to our knowledge